The following is an entry in ClinVar:

ClinVar aggregate classification (germline): Pathogenic. Review status: criteria provided, single submitter (1 of 4 stars). 2 submissions from 2 submitters: Pathogenic (1). 1 of the submissions does not count toward it. Last evaluated 2024-06-07.

Conditions:
Mucopolysaccharidosis, MPS-II (MPS2). Also called: IDS deficiency; Sulfoiduronate sulfatase deficiency; SIDS deficiency; Mucopolysaccharidosis type 2; Mucopolysaccharidosis Type II; Attenuated MPS (subtype; formerly known as mild MPS II). Identifiers: Orphanet 580, Orphanet 79388, MedGen C0026705, MONDO:0010674, OMIM 309900.

Submissions (2):

Laboratory of Diagnosis and Therapy of Lysosomal Disorders, University of Padova
Classification: Pathogenic for Mucopolysaccharidosis, MPS-II. Last evaluated: 2024-06-07. Review status: criteria provided, single submitter. Criteria: ACMG Guidelines, 2015. Collection method: literature only. Allele origin: germline. Affected: yes. Observed: 1 variant allele.
Comment: Null variant (PVS1_Strong), Absent from controls (or at low frequency) in gnomAD database (PM2_Moderate), Patient’s phenotype or family history highly specific for the disease (PP4_Strong)

Classification method: ACMG Guidelines [PMID:25741868] with modifications

Laboratory of Inherited Metabolic Diseases, Research centre for medical genetics
Classification: Pathogenic for Mucopolysaccharidosis, type II; MPS2. Review status: no assertion criteria provided. Collection method: research. Allele origin: germline. Affected: yes. Not counted in ClinVar's aggregate classification.

Literature cited by the submitters: PubMed 33676511 (cited by Laboratory of Diagnosis and Therapy of Lysosomal Disorders, University of Padova).

NM_000202.8(IDS):c.1234G>T (p.Gly412Ter)

Gene: IDS (iduronate 2-sulfatase; minus strand). Cytogenetic location: Xq28.
Variant type: single nucleotide variant.
Coding change: c.1234G>T on transcript NM_000202.8 (MANE Select); coding-DNA position 1234, G replaced by T.
Protein change: p.Gly412Ter; replaces glycine 412 with a stop codon.
Molecular consequence: nonsense.
Genome position (GRCh38, 1-based): chrX:149,483,165, C>A on the plus strand (G>T on the coding strand, the complement: IDS is on the minus strand). VCF-style: chrX-149483165-C-A. GRCh37 (hg19) VCF-style: chrX-148564696-C-A.
Other names: c.964G>T, p.Gly322Ter (NM_001166550.4); short protein forms G322*, G412*.
Identifiers: ClinVar variation 988696 (VCV000988696.3), dbSNP rs2089307950, ClinGen allele CA414518526.